The following is an entry in ClinVar:

NM_003238.6(TGFB2):c.866A>G (p.Tyr289Cys)

Gene: TGFB2 (transforming growth factor beta 2; plus strand). Cytogenetic location: 1q41.
Variant type: single nucleotide variant.
Coding change: c.866A>G on transcript NM_003238.6 (MANE Select); coding-DNA position 866, A replaced by G.
Protein change: p.Tyr289Cys; replaces tyrosine 289 with cysteine.
Molecular consequence: missense variant.
Genome position (GRCh38, 1-based): chr1:218,436,081, A>G. VCF-style: chr1-218436081-A-G. GRCh37 (hg19) VCF-style: chr1-218609423-A-G.
Other names: c.950A>G, p.Tyr317Cys (NM_001135599.4); short protein forms Y289C, Y317C.
Identifiers: ClinVar variation 4704540 (VCV004704540.1).

ClinVar aggregate classification (germline): Uncertain significance (1 of 4 stars; one submission).

Conditions:
Loeys-Dietz syndrome 4 (LDS4). Also called: ANEURYSM, AORTIC AND CEREBRAL, WITH ARTERIAL TORTUOSITY AND SKELETAL MANIFESTATIONS; TGFB2-Related Loeys-Dietz Syndrome. Identifiers: MedGen C3553762, MONDO:0013897, OMIM 614816.

gnomAD v4.1: 4 of 1,614,166 alleles (0.00025%); highest among the groups gnomAD compares: Middle Eastern, 0.016%; no homozygotes.

Submission:

Labcorp Genetics (formerly Invitae), Labcorp
Classification: Uncertain significance for Loeys-Dietz syndrome 4. Last evaluated: 2026-01-09. Review status: criteria provided, single submitter. Criteria: Invitae Variant Classification Sherloc (09022015). Collection method: clinical testing. Allele origin: germline.
Comment: This sequence change replaces tyrosine, which is neutral and polar, with cysteine, which is neutral and slightly polar, at codon 289 of the TGFB2 protein (p.Tyr289Cys). This variant is present in population databases (no rsID available, gnomAD 0.003%). This variant has not been reported in the literature in individuals affected with TGFB2-related conditions. An algorithm developed to predict the effect of missense changes on protein structure and function (PolyPhen-2) suggests that this variant is likely to be disruptive. In summary, the available evidence is currently insufficient to determine the role of this variant in disease. Therefore, it has been classified as a Variant of Uncertain Significance.